The following is an entry in ClinVar:

NM_000171.4(GLRA1):c.772C>T (p.Pro258Ser)

Gene: GLRA1 (glycine receptor alpha 1; minus strand). Cytogenetic location: 5q33.1.
Variant type: single nucleotide variant.
Coding change: c.772C>T on transcript NM_000171.4 (MANE Select); coding-DNA position 772, C replaced by T.
Protein change: p.Pro258Ser; replaces proline 258 with serine.
Molecular consequence: missense variant.
Genome position (GRCh38, 1-based): chr5:151,851,530, G>A on the plus strand (C>T on the coding strand, the complement: GLRA1 is on the minus strand). VCF-style: chr5-151851530-G-A. GRCh37 (hg19) VCF-style: chr5-151231091-G-A.
Other names: c.772C>T, p.Pro258Ser (NM_001146040.2); c.523C>T, p.Pro175Ser (NM_001292000.2); short protein forms P258S, P175S.
Identifiers: ClinVar variation 2734809 (VCV002734809.3), dbSNP rs1467252662, ClinGen allele CA361837909.

ClinVar aggregate classification (germline): Uncertain significance (1 of 4 stars; one submission).

Conditions:
Hereditary hyperekplexia. Identifiers: Orphanet 3197, MedGen C4084968, MONDO:0021022.

Submission:

Labcorp Genetics (formerly Invitae), Labcorp
Classification: Uncertain significance for Hereditary hyperekplexia. Last evaluated: 2025-06-22. Review status: criteria provided, single submitter. Criteria: Invitae Variant Classification Sherloc (09022015). Collection method: clinical testing. Allele origin: germline.
Comment: This sequence change replaces proline, which is neutral and non-polar, with serine, which is neutral and polar, at codon 258 of the GLRA1 protein (p.Pro258Ser). This variant is not present in population databases (gnomAD no frequency). This missense change has been observed in individual(s) with hyperekplexia (PMID: 24108130). This variant is also known as p.P230S. ClinVar contains an entry for this variant (Variation ID: 2734809). Invitae Evidence Modeling of protein sequence and biophysical properties (such as structural, functional, and spatial information, amino acid conservation, physicochemical variation, residue mobility, and thermodynamic stability) indicates that this missense variant is expected to disrupt GLRA1 protein function with a positive predictive value of 80%. Experimental studies have shown that this missense change affects GLRA1 function (PMID: 24108130). In summary, the available evidence is currently insufficient to determine the role of this variant in disease. Therefore, it has been classified as a Variant of Uncertain Significance.

Literature cited by the submitters: PubMed 24108130.